The following is an entry in ClinVar:

ClinVar aggregate classification (germline): Conflicting classifications of pathogenicity. Review status: criteria provided, conflicting classifications (1 of 4 stars). 3 submissions from 3 submitters: Uncertain significance (2); Benign (1). Last evaluated 2025-07-30.

Conditions:
Adams-Oliver syndrome 5 (AOS5). Identifiers: Orphanet 974, MedGen C4014970, MONDO:0014459, OMIM 616028.
Familial thoracic aortic aneurysm and aortic dissection (TAAD). Also called: Thoracic aortic aneurysms and dissections. Identifiers: Orphanet 91387, MedGen C4707243, MONDO:0019625.

Allele frequency attached by ClinVar (database versions not stated): gnomAD exomes 0.00001.

Submissions (3):

Labcorp Genetics (formerly Invitae), Labcorp
Classification: Benign for Adams-Oliver syndrome 5. Last evaluated: 2025-07-30. Review status: criteria provided, single submitter. Criteria: Invitae Variant Classification Sherloc (09022015). Collection method: clinical testing. Allele origin: germline.

Ambry Genetics
Classification: Uncertain significance for Familial thoracic aortic aneurysm and aortic dissection. Last evaluated: 2022-05-02. Review status: criteria provided, single submitter. Criteria: Ambry Variant Classification Scheme 2023. Collection method: clinical testing. Allele origin: germline.
Comment: The p.V205I variant (also known as c.613G>A), located in coding exon 4 of the NOTCH1 gene, results from a G to A substitution at nucleotide position 613. The valine at codon 205 is replaced by isoleucine, an amino acid with highly similar properties. This amino acid position is conserved. In addition, this alteration is predicted to be tolerated by in silico analysis. Since supporting evidence is limited at this time, the clinical significance of this alteration remains unclear.

GeneDx
Classification: Uncertain significance. Last evaluated: 2019-07-29. Review status: criteria provided, single submitter. Criteria: GeneDx Variant Classification Process June 2021. Collection method: clinical testing. Allele origin: germline. Affected: yes.
Comment: Has not been previously published as pathogenic or benign to our knowledge; In silico analysis, which includes protein predictors and evolutionary conservation, supports that this variant does not alter protein structure/function

NM_017617.5(NOTCH1):c.613G>A (p.Val205Ile)

Gene: NOTCH1 (notch receptor 1; minus strand). Cytogenetic location: 9q34.3.
Variant type: single nucleotide variant.
Coding change: c.613G>A on transcript NM_017617.5 (MANE Select); coding-DNA position 613, G replaced by A.
Protein change: p.Val205Ile; replaces valine 205 with isoleucine.
Molecular consequence: missense variant.
Genome position (GRCh38, 1-based): chr9:136,522,979, C>T on the plus strand (G>A on the coding strand, the complement: NOTCH1 is on the minus strand). VCF-style: chr9-136522979-C-T. GRCh37 (hg19) VCF-style: chr9-139417431-C-T.
Other names: short protein forms V205I.
Identifiers: ClinVar variation 1307440 (VCV001307440.8), dbSNP rs979299004, ClinGen allele CA375569851.